The following is an entry in ClinVar:

NM_001100913.3(PACS2):c.1050G>C (p.Pro350=)

Gene: PACS2 (phosphofurin acidic cluster sorting protein 2; plus strand). Cytogenetic location: 14q32.33.
Variant type: single nucleotide variant.
Coding change: c.1050G>C on transcript NM_001100913.3 (MANE Select); coding-DNA position 1050, G replaced by C.
Protein change: p.Pro350=; no amino-acid change (proline 350 retained).
Molecular consequence: synonymous variant.
Genome position (GRCh38, 1-based): chr14:105,379,829, G>C. VCF-style: chr14-105379829-G-C. GRCh37 (hg19) VCF-style: chr14-105846166-G-C.
Other names: c.825G>C, p.Pro275= (NM_001243127.3); c.1050G>C, p.Pro350= (NM_015197.4).
Identifiers: ClinVar variation 1478258 (VCV001478258.8), dbSNP rs782325438, ClinGen allele CA488203948.
Genomic context (GRCh38, chr14:105,379,829, plus strand): 5'-CTCGCAGACGGAGATTGGGAGCATCCACAGCGCCCGCAGCCACAAGGAGCCCCCAAGCCC[G>C]GTGAGTGGGGCCACACTGATCTCCCAGAGCAGACCGTGGTCTGACTGGGCTGTGGTGTGG-3'
Protein context (NP_001094383.2, residues 340-360): SARSHKEPPS[Pro350=]ADVPEKTRSL

ClinVar aggregate classification (germline): Uncertain significance (1 of 4 stars; one submission).

Submission:

Labcorp Genetics (formerly Invitae), Labcorp
Classification: Uncertain significance. Last evaluated: 2025-12-13. Review status: criteria provided, single submitter. Criteria: Invitae Variant Classification Sherloc (09022015). Collection method: clinical testing. Allele origin: germline.
Comment: This sequence change affects codon 350 of the PACS2 mRNA. It is a 'silent' change, meaning that it does not change the encoded amino acid sequence of the PACS2 protein. This variant also falls at the last nucleotide of exon 10, which is part of the consensus splice site for this exon. This variant is not present in population databases (gnomAD no frequency). This variant has not been reported in the literature in individuals affected with PACS2-related conditions. ClinVar contains an entry for this variant (Variation ID: 1478258). Variants that disrupt the consensus splice site are a relatively common cause of aberrant splicing (PMID: 17576681, 9536098). Algorithms developed to predict the effect of sequence changes on RNA splicing suggest that this variant may disrupt the consensus splice site. In summary, the available evidence is currently insufficient to determine the role of this variant in disease. Therefore, it has been classified as a Variant of Uncertain Significance.

Literature cited by the submitters: PubMed 17576681; PubMed 9536098.